The following is an entry in ClinVar:

ClinVar aggregate classification (germline): Pathogenic (1 of 4 stars; one submission).

Conditions:
Carpenter syndrome. Identifiers: Orphanet 65759, MedGen C1275078, MONDO:0019012.

Submission:

Women's Health and Genetics/Laboratory Corporation of America, LabCorp
Classification: Pathogenic for Carpenter syndrome. Last evaluated: 2023-12-12. Review status: criteria provided, single submitter. Criteria: LabCorp Variant Classification Summary - May 2015. Collection method: clinical testing. Allele origin: germline.
Comment: Variant summary: RAB23 c.467delT (p.Leu156GlnfsX3) results in a premature termination codon, predicted to cause a truncation of the encoded protein or absence of the protein due to nonsense mediated decay, which are commonly known mechanisms for disease. The variant was absent in 250476 control chromosomes. To our knowledge, no occurrence of c.467delT in individuals affected with Carpenter Syndrome - Type 1 and no experimental evidence demonstrating its impact on protein function have been reported. No submitters have cited clinical-significance assessments for this variant to ClinVar after 2014. Based on the evidence outlined above, the variant was classified as pathogenic.

NM_016277.5(RAB23):c.467del (p.Leu156fs)

Gene: RAB23 (RAB23, member RAS oncogene family; minus strand). Cytogenetic location: 6p12.1.
Variant type: Deletion.
Coding change: c.467del on transcript NM_016277.5 (MANE Select); coding-DNA position 467, one base deleted (T; older notation c.467delT).
Protein change: p.Leu156fs; shifts the reading frame from leucine 156.
Molecular consequence: frameshift variant.
Genome position (GRCh38, 1-based): chr6:57,194,784, A deleted on the plus strand (T on the coding strand, the reverse complement: RAB23 is on the minus strand). VCF-style (leftmost placement, unchanged base first): chr6-57194783-TA-T. GRCh37 (hg19) VCF-style: chr6-57059581-TA-T.
Other names: c.467del, p.Leu156fs (NM_001278666.2, NM_001278667.2, NM_001278668.2 and 1 more transcripts); c.467delT (NM_183227.3); short protein forms L156fs.
Identifiers: ClinVar variation 2691650 (VCV002691650.1), dbSNP rs2533178365, ClinGen allele CA2697553593.